The following is an entry in ClinVar:

NM_002294.3(LAMP2):c.710T>A (p.Met237Lys)

Gene: LAMP2 (lysosomal associated membrane protein 2; minus strand). Cytogenetic location: Xq24.
Variant type: single nucleotide variant.
Coding change: c.710T>A on transcript NM_002294.3 (MANE Select); coding-DNA position 710, T replaced by A.
Protein change: p.Met237Lys; replaces methionine 237 with lysine.
Molecular consequence: missense variant.
Genome position (GRCh38, 1-based): chrX:120,447,872, A>T on the plus strand (T>A on the coding strand, the complement: LAMP2 is on the minus strand). VCF-style: chrX-120447872-A-T. GRCh37 (hg19) VCF-style: chrX-119581727-A-T.
Other names: c.710T>A, p.Met237Lys (NM_001122606.1, NM_013995.2); short protein forms M237K.
Identifiers: ClinVar variation 2450358 (VCV002450358.2), dbSNP rs2147282386, ClinGen allele CA414401255.
Genomic context (GRCh38, chrX:120,447,872, plus strand): 5'-GATGTATTGATAAAGATAGACACCTATACCTTATCCTGAGTGATGTTCAGCTGCAGCCCC[A>T]TGGTAGCCAGCAGACAAGTATCATTGCCATTATTAACTGAATAGGTTCCAGCTTCTGGTT-3'
Protein context (NP_002285.1, residues 227-247): NGNDTCLLAT[Met237Lys]GLQLNITQDK

ClinVar aggregate classification (germline): Uncertain significance (1 of 4 stars; one submission).

Conditions:
Cardiovascular phenotype. Identifiers: MedGen CN230736.

Submission:

Ambry Genetics
Classification: Uncertain significance for Cardiovascular phenotype. Last evaluated: 2023-02-21. Review status: criteria provided, single submitter. Criteria: Ambry Variant Classification Scheme 2023. Collection method: clinical testing. Allele origin: germline.
Comment: The p.M237K variant (also known as c.710T>A), located in coding exon 5 of the LAMP2 gene, results from a T to A substitution at nucleotide position 710. The methionine at codon 237 is replaced by lysine, an amino acid with similar properties. This amino acid position is highly conserved in available vertebrate species. In addition, this alteration is predicted to be deleterious by in silico analysis. Since supporting evidence is limited at this time, the clinical significance of this alteration remains unclear.